The following is an entry in ClinVar:

NM_024782.3(NHEJ1):c.588+18131A>G

Gene: NHEJ1 (non-homologous end joining factor 1; minus strand). Cytogenetic location: 2q35.
Variant type: single nucleotide variant.
Coding change: c.588+18131A>G on transcript NM_024782.3 (MANE Select); 18131 bases into the intron after coding-DNA position 588, A replaced by G.
Molecular consequence: intron variant.
Genome position (GRCh38, 1-based): chr2:219,128,549, T>C on the plus strand (A>G on the coding strand, the complement: NHEJ1 is on the minus strand). VCF-style: chr2-219128549-T-C. GRCh37 (hg19) VCF-style: chr2-219993271-T-C.
Other names: NM_024782.2: c.588+18131A>G; chr2-219993271 T>C; IVS, A-G, NT588+18131; c.588+18131A>G (NM_001377499.1, NM_001377498.1).
Identifiers: ClinVar variation 1809806 (VCV001809806.4), dbSNP rs1574729059, ClinGen allele CA2580616699.

ClinVar aggregate classification (germline): Likely pathogenic. Review status: criteria provided, single submitter (1 of 4 stars). 2 submissions from 2 submitters: Likely pathogenic (1). 1 of the submissions does not count toward it.

Conditions:
Microphthalmia/coloboma 13. Identifiers: MedGen C5975436, MONDO:0975809, OMIM 620968.
Isolated anophthalmia-microphthalmia syndrome. Identifiers: Orphanet 2542, MedGen C5679828, MONDO:0016764.

Submissions (2):

The Morris Kahn Laboratory of Human Genetics, Ben-gurion University of the Negev
Classification: Likely pathogenic for Isolated anophthalmia-microphthalmia syndrome. Review status: criteria provided, single submitter. Criteria: ACMG Guidelines, 2015. Collection method: research. Allele origin: inherited. Inheritance: Autosomal recessive inheritance. Affected: yes. Observed: 7 variant alleles, 7 homozygotes.
Comment: In a new study, combining bioinformatics, molecular genetics and chicken and mouse developmental studies, we delineate an Indian Hedgehog eye enhancer, whose mutation (NG_007880.1(NM_024782.2):c.588+18131A>G) causes isolated human microphthalmia-anophthalmia-coloboma (ORPHA:2542), in Iranian Jewish kindreds.

OMIM
Classification: Pathogenic for MICROPHTHALMIA/COLOBOMA 13. Last evaluated: 2024-09-27. Review status: no assertion criteria provided. Collection method: literature only. Allele origin: germline. Not counted in ClinVar's aggregate classification.

Literature cited by the submitters: PubMed 37580330 (cited by OMIM).